The following is an entry in ClinVar:

ClinVar aggregate classification (germline): Uncertain significance (1 of 4 stars; one submission).

Conditions:
Premature ovarian failure 24. Identifiers: MedGen C5935624, MONDO:0970995, OMIM 620840.

gnomAD v4.1: 20 of 1,614,030 alleles (0.0012%); highest among the groups gnomAD compares: East Asian, 0.045%; no homozygotes.

Submission:

Juno Genomics, Hangzhou Juno Genomics, Inc
Classification: Uncertain significance for Premature ovarian failure 24. Review status: criteria provided, single submitter. Criteria: ACMG Guidelines, 2015. Collection method: clinical testing. Allele origin: germline.
Comment: Absent from controls (or at extremely low frequency if recessive) in Genome Aggregation Database.;Multiple lines of computational evidence support a deleterious effect on the gene or gene product.

NM_001040274.3(SYCP2L):c.9+3G>T

Gene: SYCP2L (synaptonemal complex protein 2 like; plus strand). Cytogenetic location: 6p24.2.
Variant type: single nucleotide variant.
Coding change: c.9+3G>T on transcript NM_001040274.3 (MANE Select); 3 bases into the intron after coding-DNA position 9, G replaced by T.
Molecular consequence: intron variant.
Genome position (GRCh38, 1-based): chr6:10,887,138, G>T. VCF-style: chr6-10887138-G-T. GRCh37 (hg19) VCF-style: chr6-10887371-G-T.
Identifiers: ClinVar variation 5018973 (VCV005018973.2).